The following is an entry in ClinVar:

ClinVar aggregate classification (germline): Uncertain significance. Review status: criteria provided, multiple submitters, no conflicts (2 of 4 stars). 2 submissions from 2 submitters: Uncertain significance (2). Last evaluated 2025-03-02.

Conditions:
DICER1-related tumor predisposition. Also called: DICER1-related pleuropulmonary blastoma cancer predisposition syndrome; DICER1 syndrome. Identifiers: Orphanet 284343, MedGen C3839822, MONDO:0100216.
Hereditary cancer-predisposing syndrome. Also called: Hereditary Cancer Syndrome; Tumor predisposition; Neoplastic Syndromes, Hereditary; Hereditary neoplastic syndrome. Identifiers: Orphanet 140162, MedGen C0027672, MeSH D009386, MONDO:0015356.

Allele frequency attached by ClinVar (database versions not stated): gnomAD exomes below 0.00001; gnomAD 0.00003.
gnomAD v4.1: 5 of 1,614,054 alleles (0.00031%); highest among the groups gnomAD compares: Admixed American, 0.0083%; no homozygotes.

Submissions (2):

Labcorp Genetics (formerly Invitae), Labcorp
Classification: Uncertain significance for DICER1-related tumor predisposition. Last evaluated: 2025-03-02. Review status: criteria provided, single submitter. Criteria: Invitae Variant Classification Sherloc (09022015). Collection method: clinical testing. Allele origin: germline.
Comment: This sequence change replaces isoleucine, which is neutral and non-polar, with phenylalanine, which is neutral and non-polar, at codon 631 of the DICER1 protein (p.Ile631Phe). This variant is present in population databases (no rsID available, gnomAD 0.003%). This variant has not been reported in the literature in individuals affected with DICER1-related conditions. ClinVar contains an entry for this variant (Variation ID: 3229320). Invitae Evidence Modeling of protein sequence and biophysical properties (such as structural, functional, and spatial information, amino acid conservation, physicochemical variation, residue mobility, and thermodynamic stability) has been performed for this missense variant. However, the output from this modeling did not meet the statistical confidence thresholds required to predict the impact of this variant on DICER1 protein function. In summary, the available evidence is currently insufficient to determine the role of this variant in disease. Therefore, it has been classified as a Variant of Uncertain Significance.

Ambry Genetics
Classification: Uncertain significance for Hereditary cancer-predisposing syndrome. Last evaluated: 2023-11-10. Review status: criteria provided, single submitter. Criteria: Ambry Variant Classification Scheme 2023. Collection method: clinical testing. Allele origin: germline.
Comment: The p.I631F variant (also known as c.1891A>T), located in coding exon 10 of the DICER1 gene, results from an A to T substitution at nucleotide position 1891. The isoleucine at codon 631 is replaced by phenylalanine, an amino acid with highly similar properties. This amino acid position is conserved. In addition, this alteration is predicted to be deleterious by in silico analysis. Since supporting evidence is limited at this time, the clinical significance of this alteration remains unclear.

NM_177438.3(DICER1):c.1891A>T (p.Ile631Phe)

Gene: DICER1 (dicer 1, ribonuclease III; minus strand). Cytogenetic location: 14q32.13.
Variant type: single nucleotide variant.
Coding change: c.1891A>T on transcript NM_177438.3 (MANE Select); coding-DNA position 1891, A replaced by T.
Protein change: p.Ile631Phe; replaces isoleucine 631 with phenylalanine.
Molecular consequence: missense variant. On other transcripts: non-coding transcript variant (6).
Genome position (GRCh38, 1-based): chr14:95,115,683, T>A on the plus strand (A>T on the coding strand, the complement: DICER1 is on the minus strand). VCF-style: chr14-95115683-T-A. GRCh37 (hg19) VCF-style: chr14-95582020-T-A.
Other names: c.1891A>T, p.Ile631Phe (NM_001195573.1, NM_001271282.3, NM_001291628.2 and 13 more transcripts); c.1609A>T, p.Ile537Phe (NM_001395686.1); c.1486A>T, p.Ile496Phe (NM_001395687.1, NM_001395688.1, NM_001395689.1 and 3 more transcripts); c.1324A>T, p.Ile442Phe (NM_001395691.1); c.208A>T, p.Ile70Phe (NM_001395697.1); short protein forms I442F, I496F, I537F, I631F, I70F.
Identifiers: ClinVar variation 3229320 (VCV003229320.2), dbSNP rs878855245, ClinGen allele CA390883913.